The following is an entry in ClinVar:

ClinVar aggregate classification (germline): Benign/Likely benign. Review status: criteria provided, multiple submitters, no conflicts (2 of 4 stars). 3 submissions from 3 submitters: Benign (1); Likely benign (1). 1 of the submissions does not count toward it. Last evaluated 2026-01-27.

Conditions:
DNAH1-related disorder. Also called: DNAH1-related condition.
Spermatogenic failure 18. Identifiers: MedGen C4539783, MONDO:0054615, OMIM 617576.
Ciliary dyskinesia, primary, 37 (CILD37). Also called: CILIARY DYSKINESIA, PRIMARY, 37, WITH OR WITHOUT SITUS INVERSUS. Identifiers: MedGen C4539798, MONDO:0033204, OMIM 617577.

Allele frequency attached by ClinVar (database versions not stated): gnomAD exomes 0.00016 and 0.00079; gnomAD 0.00036 and 0.00041; TOPMed 0.00051; ExAC 0.00084; 1000 Genomes Project 30x 0.00234; 1000 Genomes Project 0.00280.
gnomAD v4.1: 387 of 1,614,056 alleles (0.024%); highest among the groups gnomAD compares: East Asian, 0.57%; 6 homozygotes.

Submissions (3):

Labcorp Genetics (formerly Invitae), Labcorp
Classification: Benign for Ciliary dyskinesia, primary, 37; Spermatogenic failure 18. Last evaluated: 2026-01-27. Review status: criteria provided, single submitter. Criteria: Invitae Variant Classification Sherloc (09022015). Collection method: clinical testing. Allele origin: germline.

Blueprint Genetics
Classification: Likely benign. Last evaluated: 2024-10-30. Review status: criteria provided, single submitter. Criteria: ACMG Guidelines, 2015. Collection method: clinical testing. Allele origin: germline.

PreventionGenetics, part of Exact Sciences
Classification: Benign for DNAH1-related condition. Last evaluated: 2019-08-02. Review status: no assertion criteria provided. Collection method: clinical testing. Allele origin: germline. Not counted in ClinVar's aggregate classification.
Comment: This variant is classified as benign based on ACMG/AMP sequence variant interpretation guidelines (Richards et al. 2015 PMID: 25741868, with internal and published modifications).

NM_015512.5(DNAH1):c.1759A>C (p.Asn587His)

Gene: DNAH1 (dynein axonemal heavy chain 1; plus strand). Cytogenetic location: 3p21.1.
Variant type: single nucleotide variant.
Coding change: c.1759A>C on transcript NM_015512.5 (MANE Select); coding-DNA position 1759, A replaced by C.
Protein change: p.Asn587His; replaces asparagine 587 with histidine.
Molecular consequence: missense variant.
Genome position (GRCh38, 1-based): chr3:52,346,574, A>C. VCF-style: chr3-52346574-A-C. GRCh37 (hg19) VCF-style: chr3-52380590-A-C.
Other names: short protein forms N587H.
Identifiers: ClinVar variation 478416 (VCV000478416.14), dbSNP rs188699424, ClinGen allele CA2433045.
Genomic context (GRCh38, chr3:52,346,574, plus strand): 5'-GTGGCCATGCGCAGCAGCCTGCGCGACATGAGCAAGGGCTGGTACAACCTCTACGAGACC[A>C]ACTGGGAGGTGTACCTCATGTCCAAGCTGCGCAAGCTGATGGAGCTGGTGAAGTACATGC-3'
Protein context (NP_056327.4, residues 577-597): SKGWYNLYET[Asn587His]WEVYLMSKLR